The following is an entry in ClinVar:

NM_007129.5(ZIC2):c.1537G>T (p.Gly513Cys)

Gene: ZIC2 (Zic family member 2; plus strand). Cytogenetic location: 13q32.3.
Variant type: single nucleotide variant.
Coding change: c.1537G>T on transcript NM_007129.5 (MANE Select); coding-DNA position 1537, G replaced by T.
Protein change: p.Gly513Cys; replaces glycine 513 with cysteine.
Molecular consequence: missense variant.
Genome position (GRCh38, 1-based): chr13:99,985,620, G>T. VCF-style: chr13-99985620-G-T. GRCh37 (hg19) VCF-style: chr13-100637874-G-T.
Other names: short protein forms G513C.
Identifiers: ClinVar variation 3361396 (VCV003361396.1).

ClinVar aggregate classification (germline): Uncertain significance (1 of 4 stars; one submission).

gnomAD v4.1: 1 of 1,193,444 alleles (0.000084%); highest among the groups gnomAD compares: Non-Finnish European, 0.00011%; no homozygotes.

Submission:

GeneDx
Classification: Uncertain significance. Last evaluated: 2023-07-23. Review status: criteria provided, single submitter. Criteria: GeneDx Variant Classification Process June 2021. Collection method: clinical testing. Allele origin: germline. Affected: yes.
Comment: Not observed at significant frequency in large population cohorts (gnomAD); In silico analysis supports that this missense variant does not alter protein structure/function; Has not been previously published as pathogenic or benign to our knowledge